The following is an entry in ClinVar:

NM_006070.6(TFG):c.493A>G (p.Met165Val)

Gene: TFG (trafficking from ER to golgi regulator; plus strand). Cytogenetic location: 3q12.2.
Variant type: single nucleotide variant.
Coding change: c.493A>G on transcript NM_006070.6 (MANE Select); coding-DNA position 493, A replaced by G.
Protein change: p.Met165Val; replaces methionine 165 with valine.
Molecular consequence: missense variant.
Genome position (GRCh38, 1-based): chr3:100,732,585, A>G. VCF-style: chr3-100732585-A-G. GRCh37 (hg19) VCF-style: chr3-100451429-A-G.
Other names: c.493A>G, p.Met165Val (NM_001007565.2, NM_001195478.2, NM_001195479.2); short protein forms M165V.
Identifiers: ClinVar variation 1313146 (VCV001313146.2), dbSNP rs2149082781, ClinGen allele CA353845071.

ClinVar aggregate classification (germline): Uncertain significance (1 of 4 stars; one submission).

Submission:

GeneDx
Classification: Uncertain significance. Last evaluated: 2021-08-09. Review status: criteria provided, single submitter. Criteria: GeneDx Variant Classification Process June 2021. Collection method: clinical testing. Allele origin: germline. Affected: yes.
Comment: Not observed in large population cohorts (Lek et al., 2016); In silico analysis supports that this missense variant does not alter protein structure/function; Has not been previously published as pathogenic or benign to our knowledge